The following is an entry in ClinVar:

ClinVar aggregate classification (germline): Pathogenic (1 of 4 stars; one submission).

Conditions:
Familial adenomatous polyposis 1 (FAP1). Also called: FAMILIAL ADENOMATOUS POLYPOSIS 1, ATTENUATED; POLYPOSIS, ADENOMATOUS INTESTINAL. Identifiers: MedGen C2713442, MONDO:0021056, OMIM 175100. Disease mechanism: loss of function.

Submission:

Labcorp Genetics (formerly Invitae), Labcorp
Classification: Pathogenic for Familial adenomatous polyposis 1. Last evaluated: 2021-10-13. Review status: criteria provided, single submitter. Criteria: Invitae Variant Classification Sherloc (09022015). Collection method: clinical testing. Allele origin: germline.
Comment: For these reasons, this variant has been classified as Pathogenic. This variant has not been reported in the literature in individuals with APC-related conditions. ClinVar contains an entry for this variant (Variation ID: 841971). This variant is not present in population databases (ExAC no frequency). This sequence change creates a premature translational stop signal (p.Glu192Metfs*14) in the APC gene. It is expected to result in an absent or disrupted protein product. Loss-of-function variants in APC are known to be pathogenic (PMID: 17963004, 20685668).

Literature cited by the submitters: PubMed 17963004; PubMed 20685668.

NM_000038.6(APC):c.572_573dup (p.Glu192fs)

Gene: APC (APC regulator of Wnt signaling pathway; plus strand). Cytogenetic location: 5q22.2.
Variant type: Microsatellite.
Coding change: c.572_573dup on transcript NM_000038.6 (MANE Select); coding-DNA positions 572 to 573, 2 bases duplicated (AT; older notation c.572_573dupAT).
Protein change: p.Glu192fs; shifts the reading frame from glutamic acid 192.
Molecular consequence: frameshift variant. On other transcripts: 5 prime UTR variant (1).
Genome position (GRCh38, 1-based): chr5:112,780,830-112,780,831, AT duplicated; duplicating any 2 consecutive bases within chr5:112,780,828-112,780,831 gives the same sequence; the c. name uses the placement nearest the transcript's 3' end. VCF-style (leftmost placement, unchanged base first): chr5-112780827-A-AAT. GRCh37 (hg19) VCF-style: chr5-112116524-A-AAT.
Other names: c.572_573dup, p.Glu192fs (NM_001127510.3, NM_001354895.2, NM_001354896.2 and 2 more transcripts); c.602_603dup, p.Glu202fs (NM_001127511.3, NM_001354897.2, NM_001354902.2); c.497_498dup, p.Glu167fs (NM_001354898.2, NM_001354904.2); c.395_396dup, p.Glu133fs (NM_001354900.2, NM_001354901.2, NM_001354905.2); c.-466AT[3] (NM_001354906.2); short protein forms E192fs, E167fs, E202fs, E133fs.
Identifiers: ClinVar variation 841971 (VCV000841971.9), dbSNP rs1758244651, ClinGen allele CA916080335.
Genomic context (GRCh38, chr5:112,780,827, plus strand): 5'-TTTTTTATTATTTGTGGTTTTAGTTTTCCTTACAAACAGATATGACCAGAAGGCAATTGG[A>AAT]ATATGAAGCAAGGCAAATCAGAGTTGCGATGGAAGAACAACTAGGTACCTGCCAGGATAT-3'